The following is an entry in ClinVar:

NM_177438.3(DICER1):c.3574G>A (p.Ala1192Thr)

Gene: DICER1 (dicer 1, ribonuclease III; minus strand). Cytogenetic location: 14q32.13.
Variant type: single nucleotide variant.
Coding change: c.3574G>A on transcript NM_177438.3 (MANE Select); coding-DNA position 3574, G replaced by A.
Protein change: p.Ala1192Thr; replaces alanine 1192 with threonine.
Molecular consequence: missense variant. On other transcripts: non-coding transcript variant (6).
Genome position (GRCh38, 1-based): chr14:95,103,822, C>T on the plus strand (G>A on the coding strand, the complement: DICER1 is on the minus strand). VCF-style: chr14-95103822-C-T. GRCh37 (hg19) VCF-style: chr14-95570159-C-T.
Other names: c.3574G>A, p.Ala1192Thr (NM_001195573.1, NM_001271282.3, NM_001291628.2 and 12 more transcripts); c.3292G>A, p.Ala1098Thr (NM_001395686.1); c.3169G>A, p.Ala1057Thr (NM_001395687.1, NM_001395688.1, NM_001395689.1 and 2 more transcripts); c.3007G>A, p.Ala1003Thr (NM_001395691.1); c.1891G>A, p.Ala631Thr (NM_001395697.1); short protein forms A1003T, A1057T, A1098T, A1192T, A631T.
Identifiers: ClinVar variation 1692087 (VCV001692087.4), dbSNP rs2139965029, ClinGen allele CA390874866.

ClinVar aggregate classification (germline): Uncertain significance. Review status: criteria provided, multiple submitters, no conflicts (2 of 4 stars). 2 submissions from 2 submitters: Uncertain significance (2). Last evaluated 2025-11-17.

Conditions:
Hereditary cancer-predisposing syndrome. Also called: Neoplastic Syndromes, Hereditary; Hereditary Cancer Syndrome; Tumor predisposition; Hereditary neoplastic syndrome. Identifiers: Orphanet 140162, MedGen C0027672, MeSH D009386, MONDO:0015356.
DICER1-related tumor predisposition. Also called: DICER1-related pleuropulmonary blastoma cancer predisposition syndrome; DICER1 syndrome. Identifiers: Orphanet 284343, MedGen C3839822, MONDO:0100216.

Submissions (2):

Labcorp Genetics (formerly Invitae), Labcorp
Classification: Uncertain significance for DICER1-related tumor predisposition. Last evaluated: 2025-11-17. Review status: criteria provided, single submitter. Criteria: Invitae Variant Classification Sherloc (09022015). Collection method: clinical testing. Allele origin: germline.
Comment: This sequence change replaces alanine, which is neutral and non-polar, with threonine, which is neutral and polar, at codon 1192 of the DICER1 protein (p.Ala1192Thr). This variant is not present in population databases (gnomAD no frequency). This variant has not been reported in the literature in individuals affected with DICER1-related conditions. ClinVar contains an entry for this variant (Variation ID: 1692087). Invitae Evidence Modeling of protein sequence and biophysical properties (such as structural, functional, and spatial information, amino acid conservation, physicochemical variation, residue mobility, and thermodynamic stability) indicates that this missense variant is not expected to disrupt DICER1 protein function with a negative predictive value of 95%. In summary, the available evidence is currently insufficient to determine the role of this variant in disease. Therefore, it has been classified as a Variant of Uncertain Significance.

Sema4
Classification: Uncertain significance for Hereditary cancer-predisposing syndrome. Last evaluated: 2022-01-09. Review status: criteria provided, single submitter. Criteria: Sema4 Curation Guidelines. Collection method: curation. Allele origin: germline.
Comment: The DICER1 c.3574G>A (p.A1192T) variant has not been reported in the literature to our knowledge. It was not observed in the large and broad cohorts of the Genome Aggregation Database (PMID: 32461654). This variant has not been reported in ClinVar. In silico tools suggest the impact of the variant on protein function is benign, though these predictions have not been confirmed by functional studies. The evidence is insufficient to meet ACMG/AMP criteria for classifying the variant as benign or pathogenic. Thus, the clinical significance of this variant is currently uncertain.